The following is an entry in ClinVar:

NM_000051.4(ATM):c.8746G>A (p.Asp2916Asn)

Genes: ATM (ATM serine/threonine kinase; plus strand), C11orf65 (chromosome 11 open reading frame 65; minus strand). Cytogenetic location: 11q22.3.
Variant type: single nucleotide variant.
Coding change: c.8746G>A on transcript NM_000051.4 (MANE Select); coding-DNA position 8746, G replaced by A.
Protein change: p.Asp2916Asn; replaces aspartic acid 2916 with asparagine.
Molecular consequence: missense variant. On other transcripts: intron variant (2).
Genome position (GRCh38, 1-based): chr11:108,353,840, G>A. VCF-style: chr11-108353840-G-A. GRCh37 (hg19) VCF-style: chr11-108224567-G-A.
Other names: c.8746G>A, p.Asp2916Asn (NM_001351834.2); c.640+32080C>T (NM_001330368.2); c.695-18548C>T (NM_001351110.2); short protein forms D2916N.
Identifiers: ClinVar variation 864487 (VCV000864487.12), dbSNP rs150874041, ClinGen allele CA228373491.
Genomic context (GRCh38, chr11:108,353,840, plus strand): 5'-CAGGGCAAAATCCTTCCTACTCCTGAGACAGTTCCTTTTAGACTCACCAGAGATATTGTG[G>A]ATGGCATGGGCATTACGGGTGTTGAAGGTGTCTTCAGAAGGTAAGTGATATGAAGTAAAG-3'
Protein context (NP_000042.3, residues 2906-2926): VPFRLTRDIV[Asp2916Asn]GMGITGVEGV

ClinVar aggregate classification (germline): Uncertain significance. Review status: criteria provided, multiple submitters, no conflicts (2 of 4 stars). 2 submissions from 2 submitters: Uncertain significance (2). Last evaluated 2024-04-18.

Conditions:
Hereditary cancer-predisposing syndrome. Also called: Tumor predisposition; Neoplastic Syndromes, Hereditary; Hereditary Cancer Syndrome; Hereditary neoplastic syndrome. Identifiers: Orphanet 140162, MedGen C0027672, MeSH D009386, MONDO:0015356.
Ataxia-telangiectasia syndrome (AT). Also called: ATAXIA-TELANGIECTASIA, COMPLEMENTATION GROUP A; ATAXIA-TELANGIECTASIA, FRESNO VARIANT; Ataxia-telangiectasia; Ataxia-telangiectasia, complementation group D; AT, COMPLEMENTATION GROUP C; Ataxia-telangiectasia, complementation group E. Identifiers: Orphanet 100, MedGen C0004135, MONDO:0008840, OMIM 208900.

Allele frequency attached by ClinVar (database versions not stated): gnomAD 0.00001; ESP Exome Variant Server 0.00008; TOPMed 0.00001.
gnomAD v4.1: 1 of 1,613,924 alleles (0.000062%); highest among the groups gnomAD compares: African/African-American, 0.0013%; no homozygotes.

Submissions (2):

Labcorp Genetics (formerly Invitae), Labcorp
Classification: Uncertain significance for Ataxia-telangiectasia syndrome. Last evaluated: 2024-04-18. Review status: criteria provided, single submitter. Criteria: Invitae Variant Classification Sherloc (09022015). Collection method: clinical testing. Allele origin: germline.
Comment: This sequence change replaces aspartic acid, which is acidic and polar, with asparagine, which is neutral and polar, at codon 2916 of the ATM protein (p.Asp2916Asn). This variant is not present in population databases (gnomAD no frequency). This variant has not been reported in the literature in individuals affected with ATM-related conditions. ClinVar contains an entry for this variant (Variation ID: 864487). An algorithm developed to predict the effect of missense changes on protein structure and function (PolyPhen-2) suggests that this variant is likely to be disruptive. In summary, the available evidence is currently insufficient to determine the role of this variant in disease. Therefore, it has been classified as a Variant of Uncertain Significance.

Ambry Genetics
Classification: Uncertain significance for Hereditary cancer-predisposing syndrome. Last evaluated: 2021-11-06. Review status: criteria provided, single submitter. Criteria: Ambry Variant Classification Scheme 2023. Collection method: clinical testing. Allele origin: germline.
Comment: The p.D2916N variant (also known as c.8746G>A), located in coding exon 59 of the ATM gene, results from a G to A substitution at nucleotide position 8746. The aspartic acid at codon 2916 is replaced by asparagine, an amino acid with highly similar properties. This amino acid position is conserved. In addition, this alteration is predicted to be tolerated by in silico analysis. Since supporting evidence is limited at this time, the clinical significance of this alteration remains unclear.